The following is an entry in ClinVar:

NM_004415.4(DSP):c.3864G>A (p.Lys1288=)

Gene: DSP (desmoplakin; plus strand). Cytogenetic location: 6p24.3.
Variant type: single nucleotide variant.
Coding change: c.3864G>A on transcript NM_004415.4 (MANE Select); coding-DNA position 3864, G replaced by A.
Protein change: p.Lys1288=; no amino-acid change (lysine 1288 retained).
Molecular consequence: synonymous variant. On other transcripts: intron variant (1).
Genome position (GRCh38, 1-based): chr6:7,580,054, G>A. VCF-style: chr6-7580054-G-A. GRCh37 (hg19) VCF-style: chr6-7580287-G-A.
Other names: c.3864G>A, p.Lys1288= (NM_001319034.2); c.3582+282G>A (NM_001008844.3).
Identifiers: ClinVar variation 918884 (VCV000918884.11), dbSNP rs768166626, ClinGen allele CA039327.
Genomic context (GRCh38, chr6:7,580,054, plus strand): 5'-GCGAGCTGAAGAAAACGCCCTTCAGCAAAAGGCCTGTGGCTCTGAGATAATGCAGAAGAA[G>A]CAGCATCTGGAGATAGAACTGAAGCAGGTCATGCAGCAGCGCTCTGAGGACAATGCCCGG-3'
Protein context (NP_004406.2, residues 1278-1298): KACGSEIMQK[Lys1288=]QHLEIELKQV

ClinVar aggregate classification (germline): Likely benign. Review status: criteria provided, multiple submitters, no conflicts (2 of 4 stars). 5 submissions from 5 submitters: Likely benign (5). Last evaluated 2025-04-17.

Conditions:
Arrhythmogenic cardiomyopathy with wooly hair and keratoderma. Also called: PALMOPLANTAR KERATODERMA WITH LEFT VENTRICULAR CARDIOMYOPATHY AND WOOLLY HAIR; Carvajal syndrome; Dilated cardiomyopathy with woolly hair and keratoderma; Arrhythmogenic cardiomyopathy with woolly hair and keratoderma. Identifiers: Orphanet 65282, MedGen C1854063, MONDO:0011581, OMIM 605676.
Woolly hair-skin fragility syndrome (WHSF). Identifiers: Orphanet 293165, MedGen C1843292, MONDO:0957307, OMIM 620415.
Cardiomyopathy, dilated, with wooly hair, keratoderma, and tooth agenesis. Also called: Cardiomyopathy, dilated, with woolly hair, keratoderma, and tooth agenesis; Erythrokeratodermia-cardiomyopathy syndrome. Identifiers: Orphanet 476096, Orphanet 65282, MedGen C4014393, MONDO:0014355, OMIM 615821.
Lethal acantholytic epidermolysis bullosa (EBLA). Identifiers: Orphanet 158687, MedGen C1864826, MONDO:0012323, OMIM 609638.
Arrhythmogenic right ventricular dysplasia 8 (ARVD8). Also called: Arrhythmogenic Right Ventricular Dysplasia/Cardiomyopathy 8; ARRHYTHMOGENIC RIGHT VENTRICULAR DYSPLASIA, FAMILIAL, 8; ARRHYTHMOGENIC RIGHT VENTRICULAR CARDIOMYOPATHY 8. Identifiers: MedGen C1843896, MONDO:0011831, OMIM 607450.
Keratosis palmoplantaris striata 2. Also called: KERATODERMA, PALMOPLANTAR, STRIATE FORM II; STRIATE PALMOPLANTAR KERATODERMA II; Keratosis palmoplantaris striata II. Identifiers: MedGen C1852127, MONDO:0013034, OMIM 612908.
Cardiovascular phenotype. Identifiers: MedGen CN230736.
Cardiomyopathy (CMYO). Also called: Cardiomyopathies. Identifiers: Orphanet 167848, MedGen C0878544, MONDO:0004994, HP:0001638. Inheritance: Various modes of inheritance.

Allele frequency attached by ClinVar (database versions not stated): ExAC 0.00001; gnomAD exomes 0.00001; TOPMed 0.00001.
gnomAD v4.1: 22 of 1,613,932 alleles (0.0014%); highest among the groups gnomAD compares: African/African-American, 0.0027%; no homozygotes.

Submissions (5):

Labcorp Genetics (formerly Invitae), Labcorp
Classification: Likely benign for Arrhythmogenic cardiomyopathy with wooly hair and keratoderma; Arrhythmogenic right ventricular dysplasia 8. Last evaluated: 2025-04-17. Review status: criteria provided, single submitter. Criteria: Invitae Variant Classification Sherloc (09022015). Collection method: clinical testing. Allele origin: germline.

All of Us Research Program, National Institutes of Health
Classification: Likely benign for Arrhythmogenic cardiomyopathy with wooly hair and keratoderma. Last evaluated: 2023-06-26. Review status: criteria provided, single submitter. Criteria: ACMG Guidelines, 2015. Collection method: clinical testing. Allele origin: germline. Inheritance: Autosomal dominant inheritance. Observed: 1 variant allele, 1 heterozygote.
Comment: This study involves interpretation of variants in research participants for the purpose of population health screening. Participant phenotype was not available at the time of variant classification. Additional details can be found in publication PMID: 35346344, PMCID: PMC8962531

Fulgent Genetics
Classification: Likely benign for Arrhythmogenic cardiomyopathy with wooly hair and keratoderma; Arrhythmogenic right ventricular dysplasia 8; Lethal acantholytic epidermolysis bullosa; Keratosis palmoplantaris striata 2; Cardiomyopathy, dilated, with wooly hair, keratoderma, and tooth agenesis. Last evaluated: 2021-10-12. Review status: criteria provided, single submitter. Criteria: ACMG Guidelines, 2015. Collection method: clinical testing. Allele origin: unknown.

Ambry Genetics
Classification: Likely benign for Cardiovascular phenotype. Last evaluated: 2020-01-13. Review status: criteria provided, single submitter. Criteria: Ambry Variant Classification Scheme 2023. Collection method: clinical testing. Allele origin: germline.

Color Diagnostics, LLC DBA Color Health
Classification: Likely benign for Cardiomyopathy. Last evaluated: 2019-10-07. Review status: criteria provided, single submitter. Criteria: ACMG Guidelines, 2015. Collection method: clinical testing. Allele origin: germline.